The following is an entry in ClinVar:

ClinVar aggregate classification (germline): Uncertain significance (1 of 4 stars; one submission).

Conditions:
Hereditary cancer-predisposing syndrome. Also called: Tumor predisposition; Hereditary Cancer Syndrome; Hereditary neoplastic syndrome; Neoplastic Syndromes, Hereditary. Identifiers: Orphanet 140162, MedGen C0027672, MeSH D009386, MONDO:0015356.

Submission:

Ambry Genetics
Classification: Uncertain significance for Hereditary cancer-predisposing syndrome. Last evaluated: 2024-05-04. Review status: criteria provided, single submitter. Criteria: Ambry Variant Classification Scheme 2023. Collection method: clinical testing. Allele origin: germline.
Comment: The p.E1081Q variant (also known as c.3241G>C), located in coding exon 12 of the PALB2 gene, results from a G to C substitution at nucleotide position 3241. The glutamic acid at codon 1081 is replaced by glutamine, an amino acid with highly similar properties. This amino acid position is conserved. In addition, this alteration is predicted to be tolerated by in silico analysis. Based on the available evidence, the clinical significance of this variant remains unclear.

NM_024675.4(PALB2):c.3241G>C (p.Glu1081Gln)

Gene: PALB2 (partner and localizer of BRCA2; minus strand). Cytogenetic location: 16p12.2.
Variant type: single nucleotide variant.
Coding change: c.3241G>C on transcript NM_024675.4 (MANE Select); coding-DNA position 3241, G replaced by C.
Protein change: p.Glu1081Gln; replaces glutamic acid 1081 with glutamine.
Molecular consequence: missense variant. On other transcripts: intron variant (8).
Genome position (GRCh38, 1-based): chr16:23,607,973, C>G on the plus strand (G>C on the coding strand, the complement: PALB2 is on the minus strand). VCF-style: chr16-23607973-C-G. GRCh37 (hg19) VCF-style: chr16-23619294-C-G.
Other names: c.3114-4304G>C (NM_001407299.1); c.3202-4304G>C (NM_001407301.1); c.2229-4304G>C (NM_001407309.1, NM_001407308.1); c.2317-4304G>C (NM_001407311.1, NM_001407310.1); c.3181G>C, p.Glu1061Gln (NM_001407296.1); c.3169G>C, p.Glu1057Gln (NM_001407297.1); c.3079G>C, p.Glu1027Gln (NM_001407298.1); c.2962G>C, p.Glu988Gln (NM_001407300.1); and 6 more; short protein forms E1061Q, E786Q, E1027Q, E1081Q, E988Q, E1057Q, E732Q, E259Q.
Identifiers: ClinVar variation 3304002 (VCV003304002.1).
Genomic context (GRCh38, chr16:23,607,973, plus strand): 5'-GAGTCGTCTTAGGGTTAATCACAATGAGCTGAAACACAGGGCTTCGCAACGACTCACTCT[C>G]TTTGGCACAGGGATGACTCAGGACAATAAAGAGAAGCCCCTAATTTCGGAGAAAAATAAA-3'
Protein context (NP_078951.2, residues 1071-1091): FIVLSHPCAK[Glu1081Gln]SESLRSPVFQ